The following is an entry in ClinVar:

NM_001365951.3(KIF1B):c.626A>G (p.Asn209Ser)

Gene: KIF1B (kinesin family member 1B; plus strand). Cytogenetic location: 1p36.22.
Variant type: single nucleotide variant.
Coding change: c.626A>G on transcript NM_001365951.3 (MANE Select); coding-DNA position 626, A replaced by G.
Protein change: p.Asn209Ser; replaces asparagine 209 with serine.
Molecular consequence: missense variant.
Genome position (GRCh38, 1-based): chr1:10,268,169, A>G. VCF-style: chr1-10268169-A-G. GRCh37 (hg19) VCF-style: chr1-10328227-A-G.
Other names: c.626A>G, p.Asn209Ser (NM_001365952.1, NM_001365953.1, NM_015074.3 and 1 more transcripts); short protein forms N209S.
Identifiers: ClinVar variation 3288477 (VCV003288477.1).

ClinVar aggregate classification (germline): Uncertain significance (1 of 4 stars; one submission).

Submission:

Ambry Genetics
Classification: Uncertain significance. Last evaluated: 2024-06-07. Review status: criteria provided, single submitter. Criteria: Ambry Variant Classification Scheme 2023. Collection method: clinical testing. Allele origin: germline.
Comment: The p.N209S variant (also known as c.626A>G), located in coding exon 6 of the KIF1B gene, results from an A to G substitution at nucleotide position 626. The asparagine at codon 209 is replaced by serine, an amino acid with highly similar properties. This amino acid position is conserved. In addition, this alteration is predicted to be tolerated by in silico analysis. Based on the available evidence, the clinical significance of this variant remains unclear.